The following is an entry in ClinVar:

ClinVar aggregate classification (germline): Uncertain significance (1 of 4 stars; one submission).

Submission:

Laboratory for Molecular Medicine, Mass General Brigham Personalized Medicine
Classification: Uncertain significance. Last evaluated: 2019-06-12. Review status: criteria provided, single submitter. Criteria: LMM Criteria. Collection method: clinical testing. Allele origin: germline. Observed: 2 variant alleles.
Comment: This variant was absent from large population studies. Computational prediction tools and conservation analysis suggest that this variant may impact the protein, though this information is not predictive enough to determine pathogenicity. In summary, the clinical significance of this variant is uncertain. ACMG/AMP Criteria applied: PM2, PP3, PM3_Supporting.

NM_016239.4(MYO15A):c.6378G>C (p.Glu2126Asp)

Gene: MYO15A (myosin XVA; plus strand). Cytogenetic location: 17p11.2.
Variant type: single nucleotide variant.
Coding change: c.6378G>C on transcript NM_016239.4 (MANE Select); coding-DNA position 6378, G replaced by C.
Protein change: p.Glu2126Asp; replaces glutamic acid 2126 with aspartic acid.
Molecular consequence: missense variant.
Genome position (GRCh38, 1-based): chr17:18,145,976, G>C. VCF-style: chr17-18145976-G-C. GRCh37 (hg19) VCF-style: chr17-18049290-G-C.
Other names: short protein forms E2126D.
Identifiers: ClinVar variation 666880 (VCV000666880.5), dbSNP rs1597798474, ClinGen allele CA398606737.
Genomic context (GRCh38, chr17:18,145,976, plus strand): 5'-GAACATCTTCGGGAACTACATCGTGCAGAAGGGGCTGGCGGTGCCTGAGCTGCGGGATGA[G>C]ATCCTGGCACAGCTGGCCAATCAGGTGTGGCACAATCACAATGCCCACAATGCTGAGCGG-3'
Protein context (NP_057323.3, residues 2116-2136): KGLAVPELRD[Glu2126Asp]ILAQLANQVW